The following is an entry in ClinVar:

ClinVar aggregate classification (germline): Uncertain significance (1 of 4 stars; one submission).

Conditions:
Hereditary cancer-predisposing syndrome. Also called: Hereditary Cancer Syndrome; Hereditary neoplastic syndrome; Neoplastic Syndromes, Hereditary; Tumor predisposition. Identifiers: Orphanet 140162, MedGen C0027672, MeSH D009386, MONDO:0015356.

Submission:

Ambry Genetics
Classification: Uncertain significance for Hereditary cancer-predisposing syndrome. Last evaluated: 2023-05-25. Review status: criteria provided, single submitter. Criteria: Ambry Variant Classification Scheme 2023. Collection method: clinical testing. Allele origin: germline.
Comment: The p.V3020A variant (also known as c.9059T>C), located in coding exon 62 of the ATM gene, results from a T to C substitution at nucleotide position 9059. The valine at codon 3020 is replaced by alanine, an amino acid with similar properties. This amino acid position is conserved. In addition, the in silico prediction for this alteration is inconclusive. Since supporting evidence is limited at this time, the clinical significance of this alteration remains unclear.

NM_000051.4(ATM):c.9059T>C (p.Val3020Ala)

Genes: ATM (ATM serine/threonine kinase; plus strand), C11orf65 (chromosome 11 open reading frame 65; minus strand). Cytogenetic location: 11q22.3.
Variant type: single nucleotide variant.
Coding change: c.9059T>C on transcript NM_000051.4 (MANE Select); coding-DNA position 9059, T replaced by C.
Protein change: p.Val3020Ala; replaces valine 3020 with alanine.
Molecular consequence: missense variant. On other transcripts: intron variant (2).
Genome position (GRCh38, 1-based): chr11:108,365,396, T>C. VCF-style: chr11-108365396-T-C. GRCh37 (hg19) VCF-style: chr11-108236123-T-C.
Other names: c.9059T>C, p.Val3020Ala (NM_001351834.2); c.640+20524A>G (NM_001330368.2); c.694+20524A>G (NM_001351110.2); short protein forms V3020A.
Identifiers: ClinVar variation 2568237 (VCV002568237.2), dbSNP rs2137914277, ClinGen allele CA382531576.
Genomic context (GRCh38, chr11:108,365,396, plus strand): 5'-AGAGTTTCAACAAAGTAGCTGAACGTGTCTTAATGAGACTACAAGAGAAACTGAAAGGAG[T>C]GGAAGAAGGCACTGTGCTCAGTGTTGGTGGACAAGTGAATTTGCTCATACAGCAGGCCAT-3'
Protein context (NP_000042.3, residues 3010-3030): LMRLQEKLKG[Val3020Ala]EEGTVLSVGG